The following is an entry in ClinVar:

NM_001367624.2(ZNF469):c.1082C>T (p.Ala361Val)

Gene: ZNF469 (zinc finger protein 469; plus strand). Cytogenetic location: 16q24.2.
Variant type: single nucleotide variant.
Coding change: c.1082C>T on transcript NM_001367624.2 (MANE Select); coding-DNA position 1082, C replaced by T.
Protein change: p.Ala361Val; replaces alanine 361 with valine.
Molecular consequence: missense variant.
Genome position (GRCh38, 1-based): chr16:88,428,552, C>T. VCF-style: chr16-88428552-C-T. GRCh37 (hg19) VCF-style: chr16-88494960-C-T.
Other names: NM_001127464.1:c.1082C>T; NM_001127464.2:c.1082C>T; short protein forms A361V.
Identifiers: ClinVar variation 1786764 (VCV001786764.3), dbSNP rs1040506311, ClinGen allele CA286372395.
Genomic context (GRCh38, chr16:88,428,552, plus strand): 5'-AGCCAGGTGGCCTGAACCGCCACAGCGACCTCAGTGGTGCCCTCTCTTCCCCTGGAGCTG[C>T]TCACTCGGCCCCGAGACCCTTCTCTGACAGTTTACACAAGAGCCTGACCAAAATCCTTCC-3'
Protein context (NP_001354553.1, residues 351-371): LSGALSSPGA[Ala361Val]HSAPRPFSDS

ClinVar aggregate classification (germline): Uncertain significance. Review status: criteria provided, multiple submitters, no conflicts (2 of 4 stars). 2 submissions from 2 submitters: Uncertain significance (2). Last evaluated 2026-05-16.

Conditions:
ZNF469-related disorder. Also called: ZNF469-related condition.
Cardiovascular phenotype. Identifiers: MedGen CN230736.

Allele frequency attached by ClinVar (database versions not stated): gnomAD exomes below 0.00001; gnomAD 0.00005; TOPMed 0.00006.
gnomAD v4.1: 11 of 1,550,038 alleles (0.00071%); highest among the groups gnomAD compares: African/African-American, 0.014%; no homozygotes.

Submissions (2):

PreventionGenetics, part of Exact Sciences
Classification: Uncertain significance for ZNF469-related condition. Last evaluated: 2026-05-16. Review status: criteria provided, single submitter. Criteria: ACMG Guidelines, 2015. Collection method: clinical testing. Allele origin: germline.
Comment: The ZNF469 c.1082C>T variant is predicted to result in the amino acid substitution p.Ala361Val. To our knowledge, this variant has not been reported in the literature or in a large population database (gnomAD), indicating this variant is rare. At this time, the clinical significance of this variant is uncertain due to the absence of conclusive functional and genetic evidence.

Ambry Genetics
Classification: Uncertain significance for Cardiovascular phenotype. Last evaluated: 2020-10-07. Review status: criteria provided, single submitter. Criteria: Ambry Variant Classification Scheme 2023. Collection method: clinical testing. Allele origin: germline.
Comment: The p.A361V variant (also known as c.1082C>T), located in coding exon 1 of the ZNF469 gene, results from a C to T substitution at nucleotide position 1082. The alanine at codon 361 is replaced by valine, an amino acid with similar properties. This amino acid position is not well conserved in available vertebrate species, and valine is the reference amino acid in other vertebrate species. In addition, this alteration is predicted to be tolerated by in silico analysis. Since supporting evidence is limited at this time, the clinical significance of this alteration remains unclear.